The following is an entry in ClinVar:

ClinVar aggregate classification (germline): Uncertain significance (1 of 4 stars; one submission).

Conditions:
Congenital contractural arachnodactyly (CCA). Also called: BEALS SYNDROME; Arthrogryposis, distal, type 9; Beals-Hecht syndrome. Identifiers: Orphanet 115, MedGen C0220668, MONDO:0007363, OMIM 121050.

Submission:

Labcorp Genetics (formerly Invitae), Labcorp
Classification: Uncertain significance for Congenital contractural arachnodactyly. Last evaluated: 2024-03-19. Review status: criteria provided, single submitter. Criteria: Invitae Variant Classification Sherloc (09022015). Collection method: clinical testing. Allele origin: germline.
Comment: This variant, c.8584_8586del, results in the deletion of 1 amino acid(s) of the FBN2 protein (p.Lys2862del), but otherwise preserves the integrity of the reading frame. This variant is not present in population databases (gnomAD no frequency). This variant has not been reported in the literature in individuals affected with FBN2-related conditions. Experimental studies and prediction algorithms are not available or were not evaluated, and the functional significance of this variant is currently unknown. In summary, the available evidence is currently insufficient to determine the role of this variant in disease. Therefore, it has been classified as a Variant of Uncertain Significance.

NM_001999.4(FBN2):c.8578AAG[2] (p.Lys2862del)

Gene: FBN2 (fibrillin 2; minus strand). Cytogenetic location: 5q23.3.
Variant type: Microsatellite.
Coding change: c.8578AAG[2] on transcript NM_001999.4 (MANE Select); two copies in a row of the 3-base unit AAG starting at c.8578; the reference has three copies in a row; one copy, 3 bases deleted.
Protein change: p.Lys2862del; deletes lysine 2862.
Genome position (GRCh38, 1-based): chr5:128,259,608-128,259,610, CTT deleted on the plus strand (AAG on the coding strand, the reverse complement: FBN2 is on the minus strand); deleting any 3 consecutive bases within chr5:128,259,608-128,259,616 gives the same sequence; the position shown is the placement nearest the transcript's 3' end. VCF-style (leftmost placement, unchanged base first): chr5-128259607-GCTT-G. GRCh37 (hg19) VCF-style: chr5-127595299-GCTT-G.
Other names: short protein forms K2862del.
Identifiers: ClinVar variation 3657845 (VCV003657845.2).